The following is an entry in ClinVar:

ClinVar aggregate classification (germline): Likely pathogenic. Review status: criteria provided, multiple submitters, no conflicts (2 of 4 stars). 2 submissions from 2 submitters: Likely pathogenic (2). Last evaluated 2025-03-27.

Conditions:
Hereditary cancer-predisposing syndrome. Also called: Tumor predisposition; Hereditary neoplastic syndrome; Neoplastic Syndromes, Hereditary; Hereditary Cancer Syndrome. Identifiers: Orphanet 140162, MedGen C0027672, MeSH D009386, MONDO:0015356.
Lynch syndrome 4 (LYNCH4). Also called: Hereditary non-polyposis colorectal cancer, type 4; Colorectal cancer, hereditary nonpolyposis, type 4. Identifiers: Orphanet 144, MedGen C1838333, MONDO:0013699, OMIM 614337. Disease mechanism: loss of function.

Submissions (2):

Ambry Genetics
Classification: Likely pathogenic for Hereditary cancer-predisposing syndrome. Last evaluated: 2025-03-27. Review status: criteria provided, single submitter. Criteria: Ambry Variant Classification Scheme 2023. Collection method: clinical testing. Allele origin: germline.
Comment: The p.G680D variant (also known as c.2039G>A), located in coding exon 12 of the PMS2 gene, results from a G to A substitution at nucleotide position 2039. The glycine at codon 680 is replaced by aspartic acid, an amino acid with similar properties. In an assay testing PMS2 function, this variant showed a functionally abnormal result (Rayner E et al. Hum Mutat, 2022 Sep;43:1249-1258). This amino acid position is highly conserved in available vertebrate species. In addition, this alteration is predicted to be deleterious by in silico analysis. This missense alteration is located in a region that has a low rate of benign missense variation (Lek M et al. Nature. 2016 Aug 18;536(7616):285-91; DECIPHER: Database of Chromosomal Imbalance and Phenotype in Humans using Ensembl Resources. Firth H.V. et al. 2009. Am.J.Hum.Genet. 84, 524-533 (DOI)). This variant is considered to be rare based on population cohorts in the Genome Aggregation Database (gnomAD). Based on the majority of available evidence to date, this variant is likely to be pathogenic.

Myriad Genetics, Inc.
Classification: Likely pathogenic for Lynch syndrome 4. Last evaluated: 2023-09-21. Review status: criteria provided, single submitter. Criteria: Myriad Autosomal Dominant, Autosomal Recessive and X-Linked Classification Criteria (2023). Collection method: clinical testing. Allele origin: unknown.
Comment: This variant is considered likely pathogenic. Functional studies indicate this variant impacts protein function [PMID: 35451539]. This variant is expected to disrupt protein structure [Myriad internal data].

Literature cited by the submitters: PubMed 35451539 (cited by Ambry Genetics and Myriad Genetics, Inc.).

NM_000535.7(PMS2):c.2039G>A (p.Gly680Asp)

Gene: PMS2 (PMS1 homolog 2, mismatch repair system component; minus strand). Cytogenetic location: 7p22.1.
Variant type: single nucleotide variant.
Coding change: c.2039G>A on transcript NM_000535.7 (MANE Select); coding-DNA position 2039, G replaced by A.
Protein change: p.Gly680Asp; replaces glycine 680 with aspartic acid.
Molecular consequence: missense variant. On other transcripts: non-coding transcript variant (1), intron variant (4).
Genome position (GRCh38, 1-based): chr7:5,982,959, C>T on the plus strand (G>A on the coding strand, the complement: PMS2 is on the minus strand). VCF-style: chr7-5982959-C-T. GRCh37 (hg19) VCF-style: chr7-6022590-C-T.
Other names: c.1634G>A, p.Gly545Asp (NM_001018040.1, NM_001322003.2, NM_001322004.2 and 15 more transcripts); c.1883G>A, p.Gly628Asp (NM_001322006.2, NM_001406870.1); c.1721G>A, p.Gly574Asp (NM_001322007.2, NM_001322008.2, NM_001406876.1 and 1 more transcripts); c.1478G>A, p.Gly493Asp (NM_001322010.2, NM_001406906.1, NM_001406907.1); c.1106G>A, p.Gly369Asp (NM_001322011.2, NM_001322012.2); c.1466G>A, p.Gly489Asp (NM_001322013.2, NM_001406909.1); c.2039G>A, p.Gly680Asp (NM_001322014.2, NM_001406871.1); c.1730G>A, p.Gly577Asp (NM_001322015.2, NM_001406875.1, NM_001406877.1 and 5 more transcripts); and 16 more; short protein forms G279D, G369D, G423D, G489D, G493D, G509D, G522D, G525D.
Identifiers: ClinVar variation 2674189 (VCV002674189.2), dbSNP rs2128704364, ClinGen allele CA366738129.